The following is an entry in ClinVar:

ClinVar aggregate classification (germline): Uncertain significance (1 of 4 stars; one submission).

Conditions:
Inborn genetic diseases. Identifiers: MedGen C0950123, MeSH D030342.

Allele frequency attached by ClinVar (database versions not stated): gnomAD 0.00001.
gnomAD v4.1: 3 of 1,613,766 alleles (0.00019%); highest among the groups gnomAD compares: African/African-American, 0.004%; no homozygotes.

Submission:

Ambry Genetics
Classification: Uncertain significance for Inborn genetic diseases. Last evaluated: 2020-11-10. Review status: criteria provided, single submitter. Criteria: Ambry Variant Classification Scheme 2023. Collection method: clinical testing. Allele origin: germline.
Comment: The c.5984A>T (p.D1995V) alteration is located in exon 10 (coding exon 9) of the SACS gene. This alteration results from an A to T substitution at nucleotide position 5984, causing the aspartic acid (D) at amino acid position 1995 to be replaced by a valine (V). Based on data from the Genome Aggregation Database (gnomAD) database, the SACS c.5984A>T alteration was observed in 0.003% (1/31408) of total alleles studied. This amino acid position is highly conserved in available vertebrate species. The p.D1995V alteration is predicted to be deleterious by in silico analysis. Based on insufficient or conflicting evidence, the clinical significance of this alteration remains unclear.

NM_014363.6(SACS):c.5984A>T (p.Asp1995Val)

Gene: SACS (sacsin molecular chaperone; minus strand). Cytogenetic location: 13q12.12.
Variant type: single nucleotide variant.
Coding change: c.5984A>T on transcript NM_014363.6 (MANE Select); coding-DNA position 5984, A replaced by T.
Protein change: p.Asp1995Val; replaces aspartic acid 1995 with valine.
Molecular consequence: missense variant.
Genome position (GRCh38, 1-based): chr13:23,337,892, T>A on the plus strand (A>T on the coding strand, the complement: SACS is on the minus strand). VCF-style: chr13-23337892-T-A. GRCh37 (hg19) VCF-style: chr13-23912031-T-A.
Other names: c.5543A>T, p.Asp1848Val (NM_001278055.2); short protein forms D1848V, D1995V.
Identifiers: ClinVar variation 2227966 (VCV002227966.2), dbSNP rs752433736, ClinGen allele CA387524149.
Genomic context (GRCh38, chr13:23,337,892, plus strand): 5'-TATTTCAAAAATATCTTGAAGGCTGCTGAACCAACATCTCTTCTTTTAAGTATAGAGTCA[T>A]CTAGAAATCTTACGTTCTTCATGGAAACCCAAGTAGATCCATCAGAGAAGACTTTGGTCA-3'
Protein context (NP_055178.3, residues 1985-2005): WVSMKNVRFL[Asp1995Val]DSILKRRDVG